The following is an entry in ClinVar:

NM_000257.4(MYH7):c.336G>C (p.Trp112Cys)

Gene: MYH7 (myosin heavy chain 7; minus strand). Cytogenetic location: 14q11.2.
Variant type: single nucleotide variant.
Coding change: c.336G>C on transcript NM_000257.4 (MANE Select); coding-DNA position 336, G replaced by C.
Protein change: p.Trp112Cys; replaces tryptophan 112 with cysteine.
Molecular consequence: missense variant.
Genome position (GRCh38, 1-based): chr14:23,433,093, C>G on the plus strand (G>C on the coding strand, the complement: MYH7 is on the minus strand). VCF-style: chr14-23433093-C-G. GRCh37 (hg19) VCF-style: chr14-23902302-C-G.
Other names: c.336G>C, p.Trp112Cys (NM_001407004.1); short protein forms W112C.
Identifiers: ClinVar variation 1730720 (VCV001730720.4), dbSNP rs1431719401, ClinGen allele CA389053047.

ClinVar aggregate classification (germline): Uncertain significance. Review status: criteria provided, multiple submitters, no conflicts (2 of 4 stars). 2 submissions from 2 submitters: Uncertain significance (2). Last evaluated 2024-02-16.

Conditions:
Cardiovascular phenotype. Identifiers: MedGen CN230736.
Hypertrophic cardiomyopathy. Also called: HYPERTROPHIC MYOCARDIOPATHY. Identifiers: Orphanet 217569, MedGen C0007194, MeSH D002312, MONDO:0005045, HP:0001639.

Submissions (2):

Labcorp Genetics (formerly Invitae), Labcorp
Classification: Uncertain significance for Hypertrophic cardiomyopathy. Last evaluated: 2024-02-16. Review status: criteria provided, single submitter. Criteria: Invitae Variant Classification Sherloc (09022015). Collection method: clinical testing. Allele origin: germline.
Comment: This sequence change replaces tryptophan, which is neutral and slightly polar, with cysteine, which is neutral and slightly polar, at codon 112 of the MYH7 protein (p.Trp112Cys). This variant is not present in population databases (gnomAD no frequency). This variant has not been reported in the literature in individuals affected with MYH7-related conditions. ClinVar contains an entry for this variant (Variation ID: 1730720). Advanced modeling of protein sequence and biophysical properties (such as structural, functional, and spatial information, amino acid conservation, physicochemical variation, residue mobility, and thermodynamic stability) performed at Invitae indicates that this missense variant is expected to disrupt MYH7 protein function with a positive predictive value of 95%. In summary, the available evidence is currently insufficient to determine the role of this variant in disease. Therefore, it has been classified as a Variant of Uncertain Significance.

Ambry Genetics
Classification: Uncertain significance for Cardiovascular phenotype. Last evaluated: 2022-04-04. Review status: criteria provided, single submitter. Criteria: Ambry Variant Classification Scheme 2023. Collection method: clinical testing. Allele origin: germline.
Comment: The p.W112C variant (also known as c.336G>C), located in coding exon 2 of the MYH7 gene, results from a G to C substitution at nucleotide position 336. The tryptophan at codon 112 is replaced by cysteine, an amino acid with highly dissimilar properties. This amino acid position is highly conserved in available vertebrate species. In addition, this alteration is predicted to be deleterious by in silico analysis. Since supporting evidence is limited at this time, the clinical significance of this alteration remains unclear.